The following is an entry in ClinVar:

ClinVar aggregate classification (germline): Likely pathogenic (1 of 4 stars; one submission).

Conditions:
Fabry disease. Also called: ALPHA-GALACTOSIDASE A DEFICIENCY; ANDERSON-FABRY DISEASE; CERAMIDE TRIHEXOSIDASE DEFICIENCY; GLA DEFICIENCY; HEREDITARY DYSTOPIC LIPIDOSIS; Angiokeratoma corporis diffusum. Identifiers: Orphanet 324, MedGen C0002986, MONDO:0010526, OMIM 301500, HP:0001071. Disease mechanism: Fabry disease is due to inactivating mutations in the X-linked GLA gene resulting in deficiency of the enzyme Alpha Galactosidase-A., loss of function.

Submission:

Genomenon, Inc
Classification: Likely pathogenic for Fabry disease. Last evaluated: 2026-09-08. Review status: criteria provided, single submitter. Criteria: Genomenon Sequence Variant Interpretation Standards - Updated. Collection method: curation. Allele origin: germline. Affected: yes.
Comment: GLA p.Cys12_Leu19del (c.34_57del) is an in-frame deletion that results in the loss of multiple amino acids, from Cysteine at codon 12 to Leucine at codon 19. This variant has been observed in at least one proband with clinical features consistent with Fabry disease (PMID:11804208). The variant was found to segregate with disease in at least one affected family (PMID:11804208). It is absent or not present at a significant frequency in gnomAD. In conclusion, we classify GLA p.Cys12_Leu19del (c.34_57del) as a likely pathogenic variant.

Literature cited by the submitters: PubMed 11804208.

NM_000169.3(GLA):c.34_57del (p.Cys12_Leu19del)

Genes: GLA (galactosidase alpha; minus strand), RPL36A-HNRNPH2 (RPL36A-HNRNPH2 readthrough; plus strand). Cytogenetic location: Xq22.1.
Variant type: Deletion.
Coding change: c.34_57del on transcript NM_000169.3 (MANE Select); coding-DNA positions 34 to 57, 24 bases deleted (TGCGCGCTTGCGCTTCGCTTCCTG).
Protein change: p.Cys12_Leu19del.
Molecular consequence: inframe deletion. On other transcripts: non-coding transcript variant (3), intron variant (2).
Genome position (GRCh38, 1-based): chrX:101,407,847-101,407,870, CAGGAAGCGAAGCGCAAGCGCGCA deleted on the plus strand (TGCGCGCTTGCGCTTCGCTTCCTG on the coding strand, the reverse complement: GLA is on the minus strand). VCF-style (leftmost placement, unchanged base first): chrX-101407846-CCAGGAAGCGAAGCGCAAGCGCGCA-C. GRCh37 (hg19) VCF-style: chrX-100662834-CCAGGAAGCGAAGCGCAAGCGCGCA-C.
Other names: c.34_57del, p.Cys12_Leu19del (NM_001406747.1, NM_001406748.1, NM_001406749.1); c.301-4089_301-4066del (NM_001199973.2); c.178-4089_178-4066del (NM_001199974.2).
Identifiers: ClinVar variation 4087021 (VCV004087021.2).